The following is an entry in ClinVar:

ClinVar aggregate classification (germline): Conflicting classifications of pathogenicity. Review status: criteria provided, conflicting classifications (1 of 4 stars). 5 submissions from 5 submitters: Uncertain significance (4); Benign (1). Last evaluated 2026-01-10.

Conditions:
Colorectal cancer. Also called: Colorectal cancer, somatic; Malignant Colorectal Neoplasm. Identifiers: MedGen C0346629, MONDO:0005575, OMIM 114500.
Hereditary cancer-predisposing syndrome. Also called: Hereditary Cancer Syndrome; Hereditary neoplastic syndrome; Neoplastic Syndromes, Hereditary; Tumor predisposition. Identifiers: Orphanet 140162, MedGen C0027672, MeSH D009386, MONDO:0015356.
Oligodontia-cancer predisposition syndrome. Also called: TOOTH AGENESIS-COLORECTAL CANCER SYNDROME. Identifiers: Orphanet 300576, MedGen C1837750, MONDO:0012075, OMIM 608615. Disease mechanism: loss of function.

Allele frequency attached by ClinVar (database versions not stated): gnomAD exomes 0.00001 and 0.00002; ExAC 0.00004.
gnomAD v4.1: 13 of 1,614,112 alleles (0.00081%); highest among the groups gnomAD compares: South Asian, 0.013%; no homozygotes.

Submissions (5):

Labcorp Genetics (formerly Invitae), Labcorp
Classification: Uncertain significance for Oligodontia-cancer predisposition syndrome. Last evaluated: 2026-01-10. Review status: criteria provided, single submitter. Criteria: Invitae Variant Classification Sherloc (09022015). Collection method: clinical testing. Allele origin: germline.
Comment: This sequence change replaces serine, which is neutral and polar, with asparagine, which is neutral and polar, at codon 143 of the AXIN2 protein (p.Ser143Asn). This variant is present in population databases (rs761849564, gnomAD 0.02%). This variant has not been reported in the literature in individuals affected with AXIN2-related conditions. ClinVar contains an entry for this variant (Variation ID: 408831). Invitae Evidence Modeling of protein sequence and biophysical properties (such as structural, functional, and spatial information, amino acid conservation, physicochemical variation, residue mobility, and thermodynamic stability) indicates that this missense variant is not expected to disrupt AXIN2 protein function with a negative predictive value of 80%. In summary, the available evidence is currently insufficient to determine the role of this variant in disease. Therefore, it has been classified as a Variant of Uncertain Significance.

GeneDx
Classification: Uncertain significance. Last evaluated: 2025-03-31. Review status: criteria provided, single submitter. Criteria: GeneDx Variant Classification Process June 2021. Collection method: clinical testing. Allele origin: germline. Affected: yes.
Comment: In silico analysis indicates that this missense variant does not alter protein structure/function; Has not been previously published as pathogenic or benign to our knowledge; This variant is associated with the following publications: (PMID: 15735151)

Ambry Genetics
Classification: Benign for Hereditary cancer-predisposing syndrome. Last evaluated: 2024-03-11. Review status: criteria provided, single submitter. Criteria: Ambry Variant Classification Scheme 2023. Collection method: clinical testing. Allele origin: germline.

Baylor Genetics
Classification: Uncertain significance for Colorectal cancer. Last evaluated: 2023-10-15. Review status: criteria provided, single submitter. Criteria: ACMG Guidelines, 2015. Collection method: clinical testing. Allele origin: unknown.

Sema4
Classification: Uncertain significance for Hereditary cancer-predisposing syndrome. Last evaluated: 2021-12-16. Review status: criteria provided, single submitter. Criteria: Sema4 Curation Guidelines. Collection method: curation. Allele origin: germline.
Comment: The AXIN2 c.428G>A (p.S143N) variant has not been reported in the literature to our knowledge. It was observed in 5/30616 chromosomes in the South Asian subpopulation from the large and broad cohorts of the Genome Aggregation Database (PMID: 32461654). This variant has been reported in ClinVar (Variation ID: 408831). Functional studies have not been performed, and in silico predictions of the variant's effect on protein function are inconclusive. The evidence is insufficient to meet ACMG/AMP criteria for classifying the variant as benign or pathogenic. Thus, the clinical significance of this variant is currently uncertain.

NM_004655.4(AXIN2):c.428G>A (p.Ser143Asn)

Gene: AXIN2 (axin 2; minus strand). Cytogenetic location: 17q24.1.
Variant type: single nucleotide variant.
Coding change: c.428G>A on transcript NM_004655.4 (MANE Select); coding-DNA position 428, G replaced by A.
Protein change: p.Ser143Asn; replaces serine 143 with asparagine.
Molecular consequence: missense variant.
Genome position (GRCh38, 1-based): chr17:65,558,193, C>T on the plus strand (G>A on the coding strand, the complement: AXIN2 is on the minus strand). VCF-style: chr17-65558193-C-T. GRCh37 (hg19) VCF-style: chr17-63554311-C-T.
Other names: c.428G>A, p.Ser143Asn (NM_001363813.1); c.428G>A (LRG_296t1); short protein forms S143N.
Identifiers: ClinVar variation 408831 (VCV000408831.13), dbSNP rs761849564, ClinGen allele CA8719053.